The following is an entry in ClinVar:

NM_001080483.3(MYMK):c.319C>T (p.Arg107Trp)

Gene: MYMK (myomaker, myoblast fusion factor; minus strand). Cytogenetic location: 9q34.2.
Variant type: single nucleotide variant.
Coding change: c.319C>T on transcript NM_001080483.3 (MANE Select); coding-DNA position 319, C replaced by T.
Protein change: p.Arg107Trp; replaces arginine 107 with tryptophan.
Molecular consequence: missense variant.
Genome position (GRCh38, 1-based): chr9:133,518,954, G>A on the plus strand (C>T on the coding strand, the complement: MYMK is on the minus strand). VCF-style: chr9-133518954-G-A. GRCh37 (hg19) VCF-style: chr9-136384076-G-A.
Other names: short protein forms R107W.
Identifiers: ClinVar variation 3401181 (VCV003401181.2).

ClinVar aggregate classification (germline): Uncertain significance. Review status: criteria provided, multiple submitters, no conflicts (2 of 4 stars). 2 submissions from 2 submitters: Uncertain significance (2). Last evaluated 2026-02-24.

Conditions:
Inborn genetic diseases. Identifiers: MedGen C0950123, MeSH D030342.

gnomAD v4.1: 18 of 1,613,868 alleles (0.0011%); highest among the groups gnomAD compares: African/African-American, 0.0093%; no homozygotes.

Submissions (2):

GeneDx
Classification: Uncertain significance. Last evaluated: 2026-02-24. Review status: criteria provided, single submitter. Criteria: GeneDx Variant Classification Process June 2021. Collection method: clinical testing. Allele origin: germline.
Comment: In silico analysis supports that this missense variant has a deleterious effect on protein structure/function; Has not been previously published as pathogenic or benign to our knowledge

Ambry Genetics
Classification: Uncertain significance for Inborn genetic diseases. Last evaluated: 2024-11-14. Review status: criteria provided, single submitter. Criteria: Ambry Variant Classification Scheme 2023. Collection method: clinical testing. Allele origin: germline.